The following is an entry in ClinVar:

ClinVar aggregate classification (germline): Uncertain significance (1 of 4 stars; one submission).

Submission:

Labcorp Genetics (formerly Invitae), Labcorp
Classification: Uncertain significance. Last evaluated: 2024-02-05. Review status: criteria provided, single submitter. Criteria: Invitae Variant Classification Sherloc (09022015). Collection method: clinical testing. Allele origin: germline.
Comment: This variant, c.1076_1078del, results in the deletion of 1 amino acid(s) of the COCH protein (p.Ser359del), but otherwise preserves the integrity of the reading frame. This variant is present in population databases (no rsID available, gnomAD 0.01%). This variant has not been reported in the literature in individuals affected with COCH-related conditions. Experimental studies and prediction algorithms are not available or were not evaluated, and the functional significance of this variant is currently unknown. In summary, the available evidence is currently insufficient to determine the role of this variant in disease. Therefore, it has been classified as a Variant of Uncertain Significance.

NM_004086.3(COCH):c.1073GCA[1] (p.Ser359del)

Genes: COCH (cochlin; plus strand), COCH-AS1 (COCH antisense RNA 1; minus strand). Cytogenetic location: 14q12.
Variant type: Microsatellite.
Coding change: c.1073GCA[1] on transcript NM_004086.3 (MANE Select); one copy of the 3-base unit GCA starting at c.1073; the reference has two copies in a row; one copy, 3 bases deleted.
Protein change: p.Ser359del; deletes serine 359.
Molecular consequence: inframe deletion. On other transcripts: non-coding transcript variant (1).
Genome position (GRCh38, 1-based): chr14:30,885,911-30,885,913, GCA deleted; deleting any 3 consecutive bases within chr14:30,885,908-30,885,913 gives the same sequence; the position shown is the placement nearest the transcript's 3' end. VCF-style (leftmost placement, unchanged base first): chr14-30885907-TGCA-T. GRCh37 (hg19) VCF-style: chr14-31355113-TGCA-T.
Other names: c.1073GCA[1], p.Ser359del (NM_001135058.2); c.1268GCA[1], p.Ser424del (NM_001347720.2); short protein forms S359del, S424del.
Identifiers: ClinVar variation 2889351 (VCV002889351.3), dbSNP rs1318656068, ClinGen allele CA613323185.